The following is an entry in ClinVar:

NM_005732.4(RAD50):c.610A>G (p.Lys204Glu)

Gene: RAD50 (RAD50 double strand break repair protein; plus strand). Cytogenetic location: 5q31.1.
Variant type: single nucleotide variant.
Coding change: c.610A>G on transcript NM_005732.4 (MANE Select); coding-DNA position 610, A replaced by G.
Protein change: p.Lys204Glu; replaces lysine 204 with glutamic acid.
Molecular consequence: missense variant.
Genome position (GRCh38, 1-based): chr5:132,579,920, A>G. VCF-style: chr5-132579920-A-G. GRCh37 (hg19) VCF-style: chr5-131915612-A-G.
Other names: short protein forms K204E.
Identifiers: ClinVar variation 140908 (VCV000140908.23), dbSNP rs202197835, ClinGen allele CA333168.

ClinVar aggregate classification (germline): Uncertain significance. Review status: criteria provided, multiple submitters, no conflicts (2 of 4 stars). 5 submissions from 5 submitters: Uncertain significance (5). Last evaluated 2026-06-23.

Conditions:
Breast-ovarian cancer, familial, susceptibility to, 1 (BROVCA1). Also called: BRCA1 Hereditary Breast and Ovarian Cancer; OVARIAN CANCER, SUSCEPTIBILITY TO. Identifiers: Orphanet 145, MedGen C2676676, MONDO:0011450, OMIM 604370. Disease mechanism: loss of function.
Nijmegen breakage syndrome-like disorder (NBSLD). Also called: MICROCEPHALY AND SPONTANEOUS CHROMOSOME INSTABILITY WITHOUT IMMUNODEFICIENCY; NBS-LIKE DISORDER; RAD50 DEFICIENCY. Identifiers: Orphanet 240760, MedGen C2751318, MONDO:0013118, OMIM 613078.
Hereditary cancer-predisposing syndrome. Also called: Tumor predisposition; Hereditary neoplastic syndrome; Hereditary Cancer Syndrome; Neoplastic Syndromes, Hereditary. Identifiers: Orphanet 140162, MedGen C0027672, MeSH D009386, MONDO:0015356.

Allele frequency attached by ClinVar (database versions not stated): ExAC 0.00006; gnomAD 0.00006 and 0.00008; gnomAD exomes 0.00006 and 0.00011; ESP Exome Variant Server 0.00008; TOPMed 0.00009; 1000 Genomes Project 30x 0.00016; 1000 Genomes Project 0.00020.
gnomAD v4.1: 173 of 1,612,614 alleles (0.011%); highest among the groups gnomAD compares: Non-Finnish European, 0.014%; no homozygotes.

Submissions (5):

Women's Health and Genetics/Laboratory Corporation of America, LabCorp
Classification: Uncertain significance. Last evaluated: 2026-06-23. Review status: criteria provided, single submitter. Criteria: LabCorp Variant Classification Summary - May 2015. Collection method: clinical testing. Allele origin: germline.
Comment: Variant summary: RAD50 c.610A>G (p.Lys204Glu) results in a conservative amino acid change located in the Rad50/SbcC-type AAA domain (IPR038729) of the encoded protein sequence. Algorithms developed to predict the effect of missense changes on protein structure and function are either unavailable or do not agree on the potential impact of this missense change. The variant allele was found at a frequency of 5.6e-05 in 250894 control chromosomes, predominantly at a frequency of 9.7e-05 within the Non-Finnish European subpopulation in the gnomAD database. This frequency is not significantly higher than estimated for disease-causing variants in RAD50, allowing no conclusion about variant significance. To our knowledge, no occurrence of c.610A>G in individuals affected with RAD50-related conditions and no experimental evidence demonstrating its impact on protein function have been reported. The following publication have been ascertained in the context of this evaluation (PMID: 40282418). ClinVar contains an entry for this variant (Variation ID: 140908). Based on the evidence outlined above, the variant was classified as uncertain significance.

Labcorp Genetics (formerly Invitae), Labcorp
Classification: Uncertain significance for Hereditary cancer-predisposing syndrome. Last evaluated: 2025-11-03. Review status: criteria provided, single submitter. Criteria: Invitae Variant Classification Sherloc (09022015). Collection method: clinical testing. Allele origin: germline.
Comment: This sequence change replaces lysine, which is basic and polar, with glutamic acid, which is acidic and polar, at codon 204 of the RAD50 protein (p.Lys204Glu). This variant is present in population databases (rs202197835, gnomAD 0.01%). This variant has not been reported in the literature in individuals affected with RAD50-related conditions. ClinVar contains an entry for this variant (Variation ID: 140908). Invitae Evidence Modeling of protein sequence and biophysical properties (such as structural, functional, and spatial information, amino acid conservation, physicochemical variation, residue mobility, and thermodynamic stability) indicates that this missense variant is not expected to disrupt RAD50 protein function with a negative predictive value of 80%. In summary, the available evidence is currently insufficient to determine the role of this variant in disease. Therefore, it has been classified as a Variant of Uncertain Significance.

Baylor Genetics
Classification: Uncertain significance for Nijmegen breakage syndrome-like disorder. Last evaluated: 2023-10-16. Review status: criteria provided, single submitter. Criteria: ACMG Guidelines, 2015. Collection method: clinical testing. Allele origin: unknown.

Ambry Genetics
Classification: Uncertain significance for Hereditary cancer-predisposing syndrome. Last evaluated: 2023-01-11. Review status: criteria provided, single submitter. Criteria: Ambry Variant Classification Scheme 2023. Collection method: clinical testing. Allele origin: germline.
Comment: The p.K204E variant (also known as c.610A>G), located in coding exon 5 of the RAD50 gene, results from an A to G substitution at nucleotide position 610. The lysine at codon 204 is replaced by glutamic acid, an amino acid with similar properties. This amino acid position is highly conserved in available vertebrate species. In addition, this alteration is predicted to be tolerated by in silico analysis. Since supporting evidence is limited at this time, the clinical significance of this alteration remains unclear.

St. Jude Molecular Pathology, St. Jude Children's Research Hospital
Classification: Uncertain significance for Nijmegen breakage syndrome-like disorder. Last evaluated: 2020-08-19. Review status: criteria provided, single submitter. Criteria: St. Jude Assertion Criteria 2020. Collection method: clinical testing. Allele origin: germline.

Literature cited by the submitters: PubMed 40282418 (cited by Women's Health and Genetics/Laboratory Corporation of America, LabCorp).